The following is an entry in ClinVar:

ClinVar aggregate classification (germline): Uncertain significance. Review status: criteria provided, multiple submitters, no conflicts (2 of 4 stars). 3 submissions from 3 submitters: Uncertain significance (3). Last evaluated 2025-02-17.

Conditions:
Hereditary cancer-predisposing syndrome. Also called: Tumor predisposition; Neoplastic Syndromes, Hereditary; Hereditary Cancer Syndrome; Hereditary neoplastic syndrome. Identifiers: Orphanet 140162, MedGen C0027672, MeSH D009386, MONDO:0015356.
Gastrointestinal stromal tumor. Also called: Gastrointestinal stroma tumor; Gastrointestinal stromal tumor, somatic. Identifiers: Orphanet 44890, MedGen C0238198, MeSH D046152, MONDO:0011719, OMIM 606764, HP:0100723.

Submissions (3):

Labcorp Genetics (formerly Invitae), Labcorp
Classification: Uncertain significance for Gastrointestinal stromal tumor. Last evaluated: 2025-02-17. Review status: criteria provided, single submitter. Criteria: Invitae Variant Classification Sherloc (09022015). Collection method: clinical testing. Allele origin: germline.
Comment: This sequence change replaces valine, which is neutral and non-polar, with leucine, which is neutral and non-polar, at codon 109 of the KIT protein (p.Val109Leu). This variant is not present in population databases (gnomAD no frequency). This variant has not been reported in the literature in individuals affected with KIT-related conditions. ClinVar contains an entry for this variant (Variation ID: 1729522). An algorithm developed to predict the effect of missense changes on protein structure and function (PolyPhen-2) suggests that this variant is likely to be tolerated. In summary, the available evidence is currently insufficient to determine the role of this variant in disease. Therefore, it has been classified as a Variant of Uncertain Significance.

Ambry Genetics
Classification: Uncertain significance for Hereditary cancer-predisposing syndrome. Last evaluated: 2024-03-06. Review status: criteria provided, single submitter. Criteria: Ambry Variant Classification Scheme 2023. Collection method: clinical testing. Allele origin: germline.
Comment: The p.V109L variant (also known as c.325G>T), located in coding exon 2 of the KIT gene, results from a G to T substitution at nucleotide position 325. The valine at codon 109 is replaced by leucine, an amino acid with highly similar properties. This amino acid position is conserved. In addition, this alteration is predicted to be tolerated by in silico analysis. Since supporting evidence is limited at this time, the clinical significance of this alteration remains unclear.

Baylor Genetics
Classification: Uncertain significance for Gastrointestinal stromal tumor. Last evaluated: 2023-09-15. Review status: criteria provided, single submitter. Criteria: ACMG Guidelines, 2015. Collection method: clinical testing. Allele origin: unknown.

NM_000222.3(KIT):c.325G>T (p.Val109Leu)

Gene: KIT (KIT proto-oncogene, receptor tyrosine kinase; plus strand). Cytogenetic location: 4q12.
Variant type: single nucleotide variant.
Coding change: c.325G>T on transcript NM_000222.3 (MANE Select); coding-DNA position 325, G replaced by T.
Protein change: p.Val109Leu; replaces valine 109 with leucine.
Molecular consequence: missense variant.
Genome position (GRCh38, 1-based): chr4:54,695,769, G>T. VCF-style: chr4-54695769-G-T. GRCh37 (hg19) VCF-style: chr4-55561935-G-T.
Other names: c.325G>T, p.Val109Leu (NM_001093772.2, NM_001385284.1, NM_001385285.1 and 4 more transcripts); short protein forms V109L.
Identifiers: ClinVar variation 1729522 (VCV001729522.8), dbSNP rs1720025321, ClinGen allele CA356897334.